The following is an entry in ClinVar:

NM_033026.6(PCLO):c.8090C>T (p.Thr2697Ile)

Gene: PCLO (piccolo presynaptic cytomatrix protein; minus strand). Cytogenetic location: 7q21.11.
Variant type: single nucleotide variant.
Coding change: c.8090C>T on transcript NM_033026.6 (MANE Select); coding-DNA position 8090, C replaced by T.
Protein change: p.Thr2697Ile; replaces threonine 2697 with isoleucine.
Molecular consequence: missense variant.
Genome position (GRCh38, 1-based): chr7:82,952,863, G>A on the plus strand (C>T on the coding strand, the complement: PCLO is on the minus strand). VCF-style: chr7-82952863-G-A. GRCh37 (hg19) VCF-style: chr7-82582179-G-A.
Other names: c.8090C>T, p.Thr2697Ile (NM_014510.3); short protein forms T2697I.
Identifiers: ClinVar variation 1970722 (VCV001970722.5), dbSNP rs1173350801, ClinGen allele CA367912041.

ClinVar aggregate classification (germline): Uncertain significance (1 of 4 stars; one submission).

gnomAD v4.1: 1 of 1,613,866 alleles (0.000062%); highest among the groups gnomAD compares: Non-Finnish European, 0.000085%; no homozygotes.

Submission:

Labcorp Genetics (formerly Invitae), Labcorp
Classification: Uncertain significance. Last evaluated: 2022-05-06. Review status: criteria provided, single submitter. Criteria: Invitae Variant Classification Sherloc (09022015). Collection method: clinical testing. Allele origin: germline.
Comment: This sequence change replaces threonine, which is neutral and polar, with isoleucine, which is neutral and non-polar, at codon 2697 of the PCLO protein (p.Thr2697Ile). This variant is present in population databases (no rsID available, gnomAD 0.0009%). This variant has not been reported in the literature in individuals affected with PCLO-related conditions. Algorithms developed to predict the effect of missense changes on protein structure and function are either unavailable or do not agree on the potential impact of this missense change (SIFT: "Tolerated"; PolyPhen-2: "Not Available"; Align-GVGD: "Class C0"). In summary, the available evidence is currently insufficient to determine the role of this variant in disease. Therefore, it has been classified as a Variant of Uncertain Significance.